The following is an entry in ClinVar:

NM_005909.5(MAP1B):c.3546G>A (p.Pro1182=)

Gene: MAP1B (microtubule associated protein 1B; plus strand). Cytogenetic location: 5q13.2.
Variant type: single nucleotide variant.
Coding change: c.3546G>A on transcript NM_005909.5 (MANE Select); coding-DNA position 3546, G replaced by A.
Protein change: p.Pro1182=; no amino-acid change (proline 1182 retained).
Molecular consequence: synonymous variant.
Genome position (GRCh38, 1-based): chr5:72,196,901, G>A. VCF-style: chr5-72196901-G-A. GRCh37 (hg19) VCF-style: chr5-71492728-G-A.
Other names: c.3168G>A, p.Pro1056= (NM_001324255.2).
Identifiers: ClinVar variation 3045117 (VCV003045117.2), dbSNP rs148313643, ClinGen allele CA3299004.

ClinVar aggregate classification (germline): Likely benign (0 of 4 stars; one submission).

Conditions:
MAP1B-related disorder. Also called: MAP1B-related condition.

Allele frequency attached by ClinVar (database versions not stated): 1000 Genomes Project 30x 0.00047; 1000 Genomes Project 0.00060; ExAC 0.00069; gnomAD 0.00084; TOPMed 0.00093; ESP Exome Variant Server 0.00146; gnomAD exomes 0.00169.
gnomAD v4.1: 2,547 of 1,614,116 alleles (0.16%); highest among the groups gnomAD compares: Non-Finnish European, 0.21%; 1 homozygote.

Submission:

PreventionGenetics, part of Exact Sciences
Classification: Likely benign for MAP1B-related condition. Last evaluated: 2019-10-28. Review status: no assertion criteria provided. Collection method: clinical testing. Allele origin: germline.
Comment: This variant is classified as likely benign based on ACMG/AMP sequence variant interpretation guidelines (Richards et al. 2015 PMID: 25741868, with internal and published modifications).